The following is an entry in ClinVar:

NM_001077415.3(CRELD1):c.985C>T (p.Arg329Cys)

Gene: CRELD1 (CRELD disulfide isomerase 1; plus strand). Cytogenetic location: 3p25.3.
Variant type: single nucleotide variant.
Coding change: c.985C>T on transcript NM_001077415.3 (MANE Select); coding-DNA position 985, C replaced by T.
Protein change: p.Arg329Cys; replaces arginine 329 with cysteine.
Molecular consequence: missense variant. On other transcripts: non-coding transcript variant (3).
Genome position (GRCh38, 1-based): chr3:9,943,452, C>T. VCF-style: chr3-9943452-C-T. GRCh37 (hg19) VCF-style: chr3-9985136-C-T.
Other names: c.985C>T, p.Arg329Cys (NM_001031717.4, NM_001374316.1, NM_001374317.1 and 2 more transcripts); c.901C>T, p.Arg301Cys (NM_001374319.1, NM_001374320.1); short protein forms R329C, R301C.
Identifiers: ClinVar variation 3427 (VCV000003427.57), dbSNP rs28942091, ClinGen allele CA249434.

ClinVar aggregate classification (germline): Likely benign. Review status: criteria provided, multiple submitters, no conflicts (2 of 4 stars). 8 submissions from 8 submitters: Likely benign (4). 4 of the submissions do not count toward it. Last evaluated 2026-01-11.

Conditions:
Atrioventricular septal defect, susceptibility to, 2. Identifiers: MedGen C1853508, MONDO:0011650, OMIM 606217.

Allele frequency attached by ClinVar (database versions not stated): ExAC 0.00064; gnomAD exomes 0.00065; gnomAD 0.00070; 1000 Genomes Project 30x 0.00078; 1000 Genomes Project 0.00080; TOPMed 0.00089.

Submissions (8):

Labcorp Genetics (formerly Invitae), Labcorp
Classification: Likely benign for Atrioventricular septal defect, susceptibility to, 2. Last evaluated: 2026-01-11. Review status: criteria provided, single submitter. Criteria: Invitae Variant Classification Sherloc (09022015). Collection method: clinical testing. Allele origin: germline.

CeGaT Center for Human Genetics Tuebingen
Classification: Likely benign. Last evaluated: 2025-12-01. Review status: criteria provided, single submitter. Criteria: CeGaT Center For Human Genetics Tuebingen Variant Classification Criteria Version 2. Collection method: clinical testing. Allele origin: germline. Affected: yes. Observed: 3 variant alleles.
Comment: CRELD1: BS2

Blueprint Genetics
Classification: Likely benign. Last evaluated: 2024-11-22. Review status: criteria provided, single submitter. Criteria: ACMG Guidelines, 2015. Collection method: clinical testing. Allele origin: germline.

Breakthrough Genomics
Classification: Likely benign. Review status: criteria provided, single submitter. Criteria: ACMG Guidelines, 2015. Collection method: not provided. Allele origin: germline. Inheritance: Autosomal dominant inheritance. Affected: yes.

OMIM
Classification: risk factor for ATRIOVENTRICULAR SEPTAL DEFECT, SUSCEPTIBILITY TO, 2. Last evaluated: 2014-03-31. Review status: no assertion criteria provided. Collection method: literature only. Allele origin: germline. Not counted in ClinVar's aggregate classification.

Diagnostic Laboratory, Department of Genetics, University Medical Center Groningen
Classification: Likely benign. Review status: no assertion criteria provided. Collection method: clinical testing. Allele origin: germline. Affected: yes. Study: VKGL Data-share Consensus. Not counted in ClinVar's aggregate classification.

Genome Diagnostics Laboratory, University Medical Center Utrecht
Classification: Likely benign. Review status: no assertion criteria provided. Collection method: clinical testing. Allele origin: germline. Affected: yes. Study: VKGL Data-share Consensus. Not counted in ClinVar's aggregate classification.

Laboratory of Diagnostic Genome Analysis, Leiden University Medical Center (LUMC)
Classification: Likely benign. Review status: no assertion criteria provided. Collection method: clinical testing. Allele origin: germline. Affected: yes. Study: VKGL Data-share Consensus. Not counted in ClinVar's aggregate classification.

Literature cited by the submitters: PubMed 12632326 (cited by OMIM); PubMed 11376440 (cited by OMIM); PubMed 17036335 (cited by OMIM); PubMed 23040494 (cited by OMIM); PubMed 24697899 (cited by OMIM).